The following is an entry in ClinVar:

NM_003872.3(NRP2):c.799G>C (p.Val267Leu)

Gene: NRP2 (neuropilin 2; plus strand). Cytogenetic location: 2q33.3.
Variant type: single nucleotide variant.
Coding change: c.799G>C on transcript NM_003872.3 (MANE Select); coding-DNA position 799, G replaced by C.
Protein change: p.Val267Leu; replaces valine 267 with leucine.
Molecular consequence: missense variant.
Genome position (GRCh38, 1-based): chr2:205,723,919, G>C. VCF-style: chr2-205723919-G-C. GRCh37 (hg19) VCF-style: chr2-206588643-G-C.
Other names: c.799G>C, p.Val267Leu (NM_018534.4, NM_201264.2, NM_201266.2 and 2 more transcripts); short protein forms V267L.
Identifiers: ClinVar variation 4885259 (VCV004885259.2).

ClinVar aggregate classification (germline): Uncertain significance (1 of 4 stars; one submission).

Submission:

Dasa
Classification: Uncertain significance. Last evaluated: 2026-02-26. Review status: criteria provided, single submitter. Criteria: DASA Assertion Criteria. Collection method: clinical testing. Allele origin: germline.
Comment: NM_003872.3(NRP2):c.799G>C (p.Val267Leu) is a missense variant that results in the substitution of valine with leucine. This variant is rare in population databases. The currently available literature and clinical evidence are not sufficient to establish a definitive association between this variant and the reported condition. Therefore, this variant is classified as a variant of uncertain significance.